The following is an entry in ClinVar:

NM_001376.5(DYNC1H1):c.6595G>C (p.Val2199Leu)

Gene: DYNC1H1 (dynein cytoplasmic 1 heavy chain 1; plus strand). Cytogenetic location: 14q32.31.
Variant type: single nucleotide variant.
Coding change: c.6595G>C on transcript NM_001376.5 (MANE Select); coding-DNA position 6595, G replaced by C.
Protein change: p.Val2199Leu; replaces valine 2199 with leucine.
Molecular consequence: missense variant.
Genome position (GRCh38, 1-based): chr14:102,010,929, G>C. VCF-style: chr14-102010929-G-C. GRCh37 (hg19) VCF-style: chr14-102477266-G-C.
Other names: short protein forms V2199L.
Identifiers: ClinVar variation 392570 (VCV000392570.2), dbSNP rs1057524545, ClinGen allele CA16606878.

ClinVar aggregate classification (germline): Uncertain significance (1 of 4 stars; one submission).

Submission:

GeneDx
Classification: Uncertain significance. Last evaluated: 2017-01-17. Review status: criteria provided, single submitter. Criteria: GeneDx Variant Classification (06012015). Collection method: clinical testing. Allele origin: germline. Affected: yes.
Comment: The V2199L variant in the DYNC1H1 gene has not been reported previously as a pathogenic variant, nor as a benign variant, to our knowledge. The V2199L variant was not observed in approximately 6500 individuals of European and African American ancestry in the NHLBI Exome Sequencing Project, indicating it is not a common benign variant in these populations. The V2199L variant is a conservative amino acid substitution, which is not likely to impact secondary protein structure as these residues share similar properties. This substitution occurs at a position where amino acids with similar properties to Valine are tolerated across species. In silico analysis is inconsistent in its predictions as to whether or not the variant is damaging to the protein structure/function. We interpret V2199L as a variant of uncertain significance.